The following is an entry in ClinVar:

NM_001394062.1(MACF1):c.20247G>A (p.Lys6749=)

Gene: MACF1 (microtubule actin crosslinking factor 1; plus strand). Cytogenetic location: 1p34.3.
Variant type: single nucleotide variant.
Coding change: c.20247G>A on transcript NM_001394062.1 (MANE Select); coding-DNA position 20247, G replaced by A.
Protein change: p.Lys6749=; no amino-acid change (lysine 6749 retained).
Molecular consequence: synonymous variant.
Genome position (GRCh38, 1-based): chr1:39,448,752, G>A. VCF-style: chr1-39448752-G-A. GRCh37 (hg19) VCF-style: chr1-39914424-G-A.
Other names: c.8325G>A, p.Lys2775= (NM_001397473.1); c.14070G>A, p.Lys4690= (NM_012090.5).
Identifiers: ClinVar variation 4995937 (VCV004995937.1).

ClinVar aggregate classification (germline): Likely benign (1 of 4 stars; one submission).

Conditions:
MACF1-related disorder. Also called: MACF1-related condition.

gnomAD v4.1: 8 of 1,611,702 alleles (0.0005%); highest among the groups gnomAD compares: African/African-American, 0.011%; no homozygotes.

Submission:

PreventionGenetics, part of Exact Sciences
Classification: Likely benign for MACF1-related condition. Last evaluated: 2025-11-20. Review status: criteria provided, single submitter. Criteria: ACMG Guidelines, 2015. Collection method: clinical testing. Allele origin: germline.
Comment: This variant is classified as likely benign based on ACMG/AMP sequence variant interpretation guidelines (Richards et al. 2015 PMID: 25741868, with internal and published modifications).